The following is an entry in ClinVar:

ClinVar aggregate classification (germline): Pathogenic (1 of 4 stars; one submission).

Submission:

Labcorp Genetics (formerly Invitae), Labcorp
Classification: Pathogenic. Last evaluated: 2023-01-20. Review status: criteria provided, single submitter. Criteria: Invitae Variant Classification Sherloc (09022015). Collection method: clinical testing. Allele origin: germline.
Comment: This variant has not been reported in the literature in individuals affected with SLC12A6-related conditions. This variant is not present in population databases (gnomAD no frequency). This sequence change creates a premature translational stop signal (p.Ile791Tyrfs*16) in the SLC12A6 gene. It is expected to result in an absent or disrupted protein product. Loss-of-function variants in SLC12A6 are known to be pathogenic (PMID: 12368912, 16606917). For these reasons, this variant has been classified as Pathogenic.

Literature cited by the submitters: PubMed 12368912; PubMed 16606917.

NM_001365088.1(SLC12A6):c.2370dup (p.Ile791fs)

Gene: SLC12A6 (solute carrier family 12 member 6; minus strand). Cytogenetic location: 15q14.
Variant type: Duplication.
Coding change: c.2370dup on transcript NM_001365088.1 (MANE Select); coding-DNA position 2370, one base duplicated (T; older notation c.2370dupT).
Protein change: p.Ile791fs; shifts the reading frame from isoleucine 791.
Molecular consequence: frameshift variant.
Genome position (GRCh38, 1-based): chr15:34,240,727, A duplicated on the plus strand (T on the coding strand, the reverse complement: SLC12A6 is on the minus strand). VCF-style (leftmost placement, unchanged base first): chr15-34240726-T-TA. GRCh37 (hg19) VCF-style: chr15-34532927-T-TA.
Other names: c.2193dup, p.Ile732fs (NM_001042494.2, NM_001042495.2); c.2343dup, p.Ile782fs (NM_001042496.2); c.2325dup, p.Ile776fs (NM_001042497.2); c.2217dup, p.Ile740fs (NM_005135.2); c.2370dup, p.Ile791fs (NM_133647.2); short protein forms I782fs, I776fs, I791fs, I732fs, I740fs.
Identifiers: ClinVar variation 2830362 (VCV002830362.3), dbSNP rs2509761579, ClinGen allele CA2739278216.